The following is an entry in ClinVar:

NM_001378778.1(MPDZ):c.2329G>A (p.Gly777Arg)

Gene: MPDZ (multiple PDZ domain crumbs cell polarity complex component; minus strand). Cytogenetic location: 9p23.
Variant type: single nucleotide variant.
Coding change: c.2329G>A on transcript NM_001378778.1 (MANE Select); coding-DNA position 2329, G replaced by A.
Protein change: p.Gly777Arg; replaces glycine 777 with arginine.
Molecular consequence: missense variant.
Genome position (GRCh38, 1-based): chr9:13,188,819, C>T on the plus strand (G>A on the coding strand, the complement: MPDZ is on the minus strand). VCF-style: chr9-13188819-C-T. GRCh37 (hg19) VCF-style: chr9-13188818-C-T.
Other names: c.2329G>A, p.Gly777Arg (NM_001261406.2, NM_001261407.2, NM_001330637.2 and 14 more transcripts); short protein forms G777R.
Identifiers: ClinVar variation 4747901 (VCV004747901.1).
Genomic context (GRCh38, chr9:13,188,819, plus strand): 5'-GAAGCAATAAAGTCTGAATTCTTACGGGTAAAGGCTTAGCAACTCCTATTCTCACAGTCC[C>T]TGACGGTGCTCCCTTCAGTGCTTCTACAGCTTCCTCAAGACTGCTGTTTTCCAAGTTAAC-3'
Protein context (NP_001365707.1, residues 767-787): AVEALKGAPS[Gly777Arg]TVRIGVAKPL

ClinVar aggregate classification (germline): Uncertain significance (1 of 4 stars; one submission).

Submission:

Labcorp Genetics (formerly Invitae), Labcorp
Classification: Uncertain significance. Last evaluated: 2025-07-27. Review status: criteria provided, single submitter. Criteria: Invitae Variant Classification Sherloc (09022015). Collection method: clinical testing. Allele origin: germline.
Comment: This sequence change replaces glycine, which is neutral and non-polar, with arginine, which is basic and polar, at codon 777 of the MPDZ protein (p.Gly777Arg). This variant is present in population databases (rs747679640, gnomAD 0.006%). This variant has not been reported in the literature in individuals affected with MPDZ-related conditions. An algorithm developed to predict the effect of missense changes on protein structure and function (PolyPhen-2) suggests that this variant is likely to be disruptive. In summary, the available evidence is currently insufficient to determine the role of this variant in disease. Therefore, it has been classified as a Variant of Uncertain Significance.